The following is an entry in ClinVar:

NM_000051.4(ATM):c.5160C>G (p.Asn1720Lys)

Gene: ATM (ATM serine/threonine kinase; plus strand). Cytogenetic location: 11q22.3.
Variant type: single nucleotide variant.
Coding change: c.5160C>G on transcript NM_000051.4 (MANE Select); coding-DNA position 5160, C replaced by G.
Protein change: p.Asn1720Lys; replaces asparagine 1720 with lysine.
Molecular consequence: missense variant.
Genome position (GRCh38, 1-based): chr11:108,299,868, C>G. VCF-style: chr11-108299868-C-G. GRCh37 (hg19) VCF-style: chr11-108170595-C-G.
Other names: c.5160C>G, p.Asn1720Lys (NM_001351834.2); short protein forms N1720K.
Identifiers: ClinVar variation 3449883 (VCV003449883.1).

ClinVar aggregate classification (germline): Uncertain significance (1 of 4 stars; one submission).

Conditions:
Hereditary cancer-predisposing syndrome. Also called: Tumor predisposition; Neoplastic Syndromes, Hereditary; Hereditary neoplastic syndrome; Hereditary Cancer Syndrome. Identifiers: Orphanet 140162, MedGen C0027672, MeSH D009386, MONDO:0015356.

Submission:

Ambry Genetics
Classification: Uncertain significance for Hereditary cancer-predisposing syndrome. Last evaluated: 2024-06-25. Review status: criteria provided, single submitter. Criteria: Ambry Variant Classification Scheme 2023. Collection method: clinical testing. Allele origin: germline.
Comment: The p.N1720K variant (also known as c.5160C>G), located in coding exon 33 of the ATM gene, results from a C to G substitution at nucleotide position 5160. The asparagine at codon 1720 is replaced by lysine, an amino acid with similar properties. This amino acid position is conserved. In addition, this alteration is predicted to be tolerated by in silico analysis. Based on the available evidence, the clinical significance of this variant remains unclear.